The following is an entry in ClinVar:

ClinVar aggregate classification (germline): Uncertain significance (1 of 4 stars; one submission).

Submission:

Labcorp Genetics (formerly Invitae), Labcorp
Classification: Uncertain significance. Last evaluated: 2025-10-24. Review status: criteria provided, single submitter. Criteria: Invitae Variant Classification Sherloc (09022015). Collection method: clinical testing. Allele origin: germline.
Comment: This sequence change replaces glutamic acid, which is acidic and polar, with alanine, which is neutral and non-polar, at codon 259 of the COL4A1 protein (p.Glu259Ala). This variant is not present in population databases (gnomAD no frequency). This variant has not been reported in the literature in individuals affected with COL4A1-related conditions. Invitae Evidence Modeling of protein sequence and biophysical properties (such as structural, functional, and spatial information, amino acid conservation, physicochemical variation, residue mobility, and thermodynamic stability) indicates that this missense variant is not expected to disrupt COL4A1 protein function with a negative predictive value of 95%. In summary, the available evidence is currently insufficient to determine the role of this variant in disease. Therefore, it has been classified as a Variant of Uncertain Significance.

NM_001845.6(COL4A1):c.776A>C (p.Glu259Ala)

Gene: COL4A1 (collagen type IV alpha 1 chain; minus strand). Cytogenetic location: 13q34.
Variant type: single nucleotide variant.
Coding change: c.776A>C on transcript NM_001845.6 (MANE Select); coding-DNA position 776, A replaced by C.
Protein change: p.Glu259Ala; replaces glutamic acid 259 with alanine.
Molecular consequence: missense variant.
Genome position (GRCh38, 1-based): chr13:110,207,407, T>G on the plus strand (A>C on the coding strand, the complement: COL4A1 is on the minus strand). VCF-style: chr13-110207407-T-G. GRCh37 (hg19) VCF-style: chr13-110859754-T-G.
Other names: c.776A>C, p.Glu259Ala (NM_001303110.2); short protein forms E259A.
Identifiers: ClinVar variation 4746060 (VCV004746060.1).
Genomic context (GRCh38, chr13:110,207,407, plus strand): 5'-TTTGGAATTTGTCCAAAATTAGAAAATCAGTATTCACTGATGAAGCCCACTCATACCTTT[T>G]CTCCCTTGGTGGCGAAGTCTCCTTTTTCTTGAACTTGAGCTTGTCCTGGTACTCCTGGAG-3'
Protein context (NP_001836.3, residues 249-269): QEKGDFATKG[Glu259Ala]KGQKGEPGFQ